The following is an entry in ClinVar:

NM_015046.7(SETX):c.1374T>G (p.Phe458Leu)

Gene: SETX (senataxin; minus strand). Cytogenetic location: 9q34.13.
Variant type: single nucleotide variant.
Coding change: c.1374T>G on transcript NM_015046.7 (MANE Select); coding-DNA position 1374, T replaced by G.
Protein change: p.Phe458Leu; replaces phenylalanine 458 with leucine.
Molecular consequence: missense variant.
Genome position (GRCh38, 1-based): chr9:132,330,224, A>C on the plus strand (T>G on the coding strand, the complement: SETX is on the minus strand). VCF-style: chr9-132330224-A-C. GRCh37 (hg19) VCF-style: chr9-135205611-A-C.
Other names: c.1374T>G, p.Phe458Leu (NM_001351527.2, NM_001351528.2); short protein forms F458L.
Identifiers: ClinVar variation 579304 (VCV000579304.23), dbSNP rs201441886, ClinGen allele CA5297788.

ClinVar aggregate classification (germline): Conflicting classifications of pathogenicity. Review status: criteria provided, conflicting classifications (1 of 4 stars). 7 submissions from 6 submitters: Uncertain significance (6); Benign (1). Last evaluated 2026-09-01.

Conditions:
Inborn genetic diseases. Identifiers: MedGen C0950123, MeSH D030342.
Spinocerebellar ataxia, autosomal recessive, with axonal neuropathy 2 (SCAN2). Also called: Ataxia with Oculomotor Apraxia; Ataxia-ocular apraxia-2; Ataxia with Oculomotor Apraxia Type 2; ATAXIA-OCULOMOTOR APRAXIA 2. Identifiers: Orphanet 64753, MedGen C1853761, MONDO:0018996, OMIM 606002.
Amyotrophic lateral sclerosis type 4 (ALS4). Also called: NEURONOPATHY, DISTAL HEREDITARY MOTOR, WITH PYRAMIDAL FEATURES; AMYOTROPHIC LATERAL SCLEROSIS 4, JUVENILE. Identifiers: Orphanet 357043, MedGen C1865409, MONDO:0011223, OMIM 602433.

Allele frequency attached by ClinVar (database versions not stated): gnomAD exomes 0.00004 and 0.00007; ExAC 0.00006; ESP Exome Variant Server 0.00008; gnomAD 0.00008; TOPMed 0.00008.
gnomAD v4.1: 70 of 1,569,642 alleles (0.0045%); highest among the groups gnomAD compares: Non-Finnish European, 0.0055%; no homozygotes.

Submissions (7):

CeGaT Center for Human Genetics Tuebingen
Classification: Uncertain significance. Last evaluated: 2026-09-01. Review status: criteria provided, single submitter. Criteria: CeGaT Center For Human Genetics Tuebingen Variant Classification Criteria Version 2. Collection method: clinical testing. Allele origin: germline. Affected: yes. Observed: 2 variant alleles.
Comment: SETX: PM2, PP3

Labcorp Genetics (formerly Invitae), Labcorp
Classification: Benign for Amyotrophic lateral sclerosis type 4; Spinocerebellar ataxia, autosomal recessive, with axonal neuropathy 2. Last evaluated: 2026-01-21. Review status: criteria provided, single submitter. Criteria: Invitae Variant Classification Sherloc (09022015). Collection method: clinical testing. Allele origin: germline.

Athena Diagnostics
Classification: Uncertain significance. Last evaluated: 2021-12-15. Review status: criteria provided, single submitter. Criteria: Athena Diagnostics Criteria. Collection method: clinical testing. Allele origin: unknown.

GeneDx
Classification: Uncertain significance. Last evaluated: 2020-04-30. Review status: criteria provided, single submitter. Criteria: GeneDx Variant Classification Process June 2021. Collection method: clinical testing. Allele origin: germline. Affected: yes.
Comment: In silico analysis supports that this missense variant does not alter protein structure/function; Previously reported in an individual with ALS; however the variant was also identified in an informative unaffected relative (Muller et al., 2018); This variant is associated with the following publications: (PMID: 29650794)

Ambry Genetics
Classification: Uncertain significance for Inborn genetic diseases. Last evaluated: 2019-09-18. Review status: criteria provided, single submitter. Criteria: Ambry Variant Classification Scheme 2023. Collection method: clinical testing. Allele origin: germline.
Comment: The p.F458L variant (also known as c.1374T>G), located in coding exon 8 of the SETX gene, results from a T to G substitution at nucleotide position 1374. The phenylalanine at codon 458 is replaced by leucine, an amino acid with highly similar properties. This variant has been previously reported in one ALS patient; however, other clinical or variant details have not been provided (M&uuml;ller K et al. J. Neurol. Neurosurg. Psychiatry, 2018 Aug;89:817-827). This amino acid position is highly conserved in available vertebrate species. In addition, the in silico prediction for this alteration is inconclusive. Based on the supporting evidence, this variant is unlikely to be causative of autosomal dominant juvenile amyotrophic lateral sclerosis 4 (ALS4); however, its contribution to the development of autosomal recessive spinocerebellar ataxia with axonal neuropathy 2 (SCAN2) is uncertain.

Illumina Laboratory Services, Illumina
Classification: Uncertain significance for Amyotrophic lateral sclerosis type 4. Last evaluated: 2018-01-12. Review status: criteria provided, single submitter. Criteria: ICSL Variant Classification Criteria 13 December 2019. Collection method: clinical testing. Allele origin: germline.

Illumina Laboratory Services, Illumina
Classification: Uncertain significance for Spinocerebellar ataxia, autosomal recessive, with axonal neuropathy 2. Last evaluated: 2018-01-12. Review status: criteria provided, single submitter. Criteria: ICSL Variant Classification Criteria 13 December 2019. Collection method: clinical testing. Allele origin: germline.

Literature cited by the submitters: PubMed 29650794 (cited by Athena Diagnostics and Ambry Genetics).